The following is an entry in ClinVar:

ClinVar aggregate classification (germline): Benign (0 of 4 stars; one submission).

Conditions:
RUNX2-related disorder. Also called: RUNX2-related condition.

gnomAD v4.1: 58,573 of 151,956 alleles (39%); highest among the groups gnomAD compares: African/African-American, 51%; 11,893 homozygotes.

Submission:

PreventionGenetics, part of Exact Sciences
Classification: Benign for RUNX2-related condition. Last evaluated: 2024-09-12. Review status: no assertion criteria provided. Collection method: clinical testing. Allele origin: germline.
Comment: This variant is classified as benign based on ACMG/AMP sequence variant interpretation guidelines (Richards et al. 2015 PMID: 25741868, with internal and published modifications).

NM_001024630.4(RUNX2):c.685+26426G>A

Gene: RUNX2 (RUNX family transcription factor 2; plus strand). Cytogenetic location: 6p21.1.
Variant type: single nucleotide variant.
Coding change: c.685+26426G>A on transcript NM_001024630.4 (MANE Select); 26426 bases into the intron after coding-DNA position 685, G replaced by A.
Molecular consequence: intron variant.
Genome position (GRCh38, 1-based): chr6:45,464,477, G>A. VCF-style: chr6-45464477-G-A. GRCh37 (hg19) VCF-style: chr6-45432214-G-A.
Other names: c.685+26426G>A (NM_001015051.4); c.643+26426G>A (NM_001369405.1, NM_001278478.2).
Identifiers: ClinVar variation 3346984 (VCV003346984.1).